The following is an entry in ClinVar:

ClinVar aggregate classification (germline): Uncertain significance (1 of 4 stars; one submission).

Submission:

GeneDx
Classification: Uncertain significance. Last evaluated: 2025-07-14. Review status: criteria provided, single submitter. Criteria: GeneDx Variant Classification Process June 2021. Collection method: clinical testing. Allele origin: germline. Affected: yes.
Comment: Not observed at significant frequency in large population cohorts (gnomAD); In silico analysis supports that this missense variant has a deleterious effect on protein structure/function; Has not been previously published as pathogenic or benign to our knowledge; This variant is associated with the following publications: (PMID: 19369211)

NM_024675.4(PALB2):c.622G>T (p.Asp208Tyr)

Gene: PALB2 (partner and localizer of BRCA2; minus strand). Cytogenetic location: 16p12.2.
Variant type: single nucleotide variant.
Coding change: c.622G>T on transcript NM_024675.4 (MANE Select); coding-DNA position 622, G replaced by T.
Protein change: p.Asp208Tyr; replaces aspartic acid 208 with tyrosine.
Molecular consequence: missense variant. On other transcripts: 5 prime UTR variant (8), intron variant (3).
Genome position (GRCh38, 1-based): chr16:23,635,924, C>A on the plus strand (G>T on the coding strand, the complement: PALB2 is on the minus strand). VCF-style: chr16-23635924-C-A. GRCh37 (hg19) VCF-style: chr16-23647245-C-A.
Other names: c.562G>T, p.Asp188Tyr (NM_001407296.1); c.622G>T, p.Asp208Tyr (NM_001407297.1, NM_001407298.1, NM_001407299.1 and 3 more transcripts); c.-264G>T (NM_001407304.1, NM_001407305.1, NM_001407306.1 and 5 more transcripts); c.48+5186G>T (NM_001407314.1); c.-105+5186G>T (NM_001407313.1, NM_001407312.1); short protein forms D188Y, D208Y.
Identifiers: ClinVar variation 4686110 (VCV004686110.1).